The following is an entry in ClinVar:

ClinVar aggregate classification (germline): Benign. Review status: criteria provided, multiple submitters, no conflicts (2 of 4 stars). 2 submissions from 2 submitters: Benign (2). Last evaluated 2018-01-13.

Conditions:
Aplastic anemia. Identifiers: Orphanet 182040, Orphanet 88, MedGen C0002874, MONDO:0015909, OMIM 609135, HP:0001915.

Allele frequency attached by ClinVar (database versions not stated): gnomAD 0.01606; TOPMed 0.01759; 1000 Genomes Project 0.01877; 1000 Genomes Project 30x 0.02155.
gnomAD v4.1: 2,906 of 399,698 alleles (0.73%); highest among the groups gnomAD compares: African/African-American, 5.4%; 86 homozygotes.

Submissions (2):

Illumina Laboratory Services, Illumina
Classification: Benign for Aplastic anemia. Last evaluated: 2018-01-13. Review status: criteria provided, single submitter. Criteria: ICSL Variant Classification Criteria 13 December 2019. Collection method: clinical testing. Allele origin: germline.
Comment: This variant was observed in the ICSL laboratory as part of a predisposition screen in an ostensibly healthy population. It had not been previously curated by ICSL or reported in the Human Gene Mutation Database (HGMD: prior to June 1st, 2018), and was therefore a candidate for classification through an automated scoring system. Utilizing variant allele frequency, disease prevalence and penetrance estimates, and inheritance mode, an automated score was calculated to assess if this variant is too frequent to cause the disease. Based on the score and internal cut-off values, a variant classified as benign is not then subjected to further curation. The score for this variant resulted in a classification of benign for this disease.

Breakthrough Genomics
Classification: Benign. Review status: criteria provided, single submitter. Criteria: ACMG Guidelines, 2015. Collection method: not provided. Allele origin: germline. Inheritance: Autosomal recessive inheritance. Affected: yes.

NM_000619.3(IFNG):c.*180C>T

Gene: IFNG (interferon gamma; minus strand). Cytogenetic location: 12q15.
Variant type: single nucleotide variant.
Coding change: c.*180C>T on transcript NM_000619.3 (MANE Select); 180 bases downstream of the stop codon, C replaced by T.
Molecular consequence: 3 prime UTR variant.
Genome position (GRCh38, 1-based): chr12:68,155,173, G>A on the plus strand (C>T on the coding strand, the complement: IFNG is on the minus strand). VCF-style: chr12-68155173-G-A. GRCh37 (hg19) VCF-style: chr12-68548953-G-A.
Identifiers: ClinVar variation 310321 (VCV000310321.6), dbSNP rs2069722, ClinGen allele CA10642380.